The following is an entry in ClinVar:

ClinVar aggregate classification (germline): Uncertain significance (1 of 4 stars; one submission).

Conditions:
COG1 congenital disorder of glycosylation (CDG2G). Also called: CONGENITAL DISORDER OF GLYCOSYLATION, TYPE IIg; CDG IIg; CDGII/COG1 CEREBROCOSTOMANDIBULAR-LIKE SYNDROME. Identifiers: Orphanet 263508, MedGen C2931011, MONDO:0012637, OMIM 611209.

Allele frequency attached by ClinVar (database versions not stated): TOPMed 0.00002.
gnomAD v4.1: 4 of 1,614,136 alleles (0.00025%); highest among the groups gnomAD compares: Non-Finnish European, 0.00034%; no homozygotes.

Submission:

Labcorp Genetics (formerly Invitae), Labcorp
Classification: Uncertain significance for COG1 congenital disorder of glycosylation. Last evaluated: 2023-07-10. Review status: criteria provided, single submitter. Criteria: Invitae Variant Classification Sherloc (09022015). Collection method: clinical testing. Allele origin: germline.
Comment: In summary, the available evidence is currently insufficient to determine the role of this variant in disease. Therefore, it has been classified as a Variant of Uncertain Significance. This variant has not been reported in the literature in individuals affected with COG1-related conditions. Advanced modeling of protein sequence and biophysical properties (such as structural, functional, and spatial information, amino acid conservation, physicochemical variation, residue mobility, and thermodynamic stability) performed at Invitae indicates that this missense variant is not expected to disrupt COG1 protein function. ClinVar contains an entry for this variant (Variation ID: 1349821). This variant is not present in population databases (gnomAD no frequency). This sequence change replaces proline, which is neutral and non-polar, with serine, which is neutral and polar, at codon 303 of the COG1 protein (p.Pro303Ser).

NM_018714.3(COG1):c.907C>T (p.Pro303Ser)

Gene: COG1 (component of oligomeric golgi complex 1; plus strand). Cytogenetic location: 17q25.1.
Variant type: single nucleotide variant.
Coding change: c.907C>T on transcript NM_018714.3 (MANE Select); coding-DNA position 907, C replaced by T.
Protein change: p.Pro303Ser; replaces proline 303 with serine.
Molecular consequence: missense variant.
Genome position (GRCh38, 1-based): chr17:73,197,390, C>T. VCF-style: chr17-73197390-C-T. GRCh37 (hg19) VCF-style: chr17-71193529-C-T.
Other names: short protein forms P303S.
Identifiers: ClinVar variation 1349821 (VCV001349821.6), dbSNP rs750659961, ClinGen allele CA400886460.